The following is an entry in ClinVar:

ClinVar aggregate classification (germline): Pathogenic. Review status: criteria provided, multiple submitters, no conflicts (2 of 4 stars). 2 submissions from 2 submitters: Pathogenic (2). Last evaluated 2026-03-20.

Conditions:
Inborn genetic diseases. Identifiers: MedGen C0950123, MeSH D030342.

Submissions (2):

Ambry Genetics
Classification: Pathogenic for Inborn genetic diseases. Last evaluated: 2026-03-20. Review status: criteria provided, single submitter. Criteria: Ambry Variant Classification Scheme 2023. Collection method: clinical testing. Allele origin: germline.
Comment: The c.249_250insCT pathogenic mutation, located in coding exon 2 of the MBD4 gene, results from an insertion of two nucleotides at position 249, causing a translational frameshift with a predicted alternate stop codon (p.K84Lfs*12). This variant is considered to be rare based on population cohorts in the Genome Aggregation Database (gnomAD). This alteration is expected to result in loss of function by premature protein truncation or nonsense-mediated mRNA decay. As such, this alteration is interpreted as a disease-causing mutation.

Labcorp Genetics (formerly Invitae), Labcorp
Classification: Pathogenic. Last evaluated: 2024-02-09. Review status: criteria provided, single submitter. Criteria: Invitae Variant Classification Sherloc (09022015). Collection method: clinical testing. Allele origin: germline.
Comment: This sequence change creates a premature translational stop signal (p.Lys84Leufs*12) in the MBD4 gene. It is expected to result in an absent or disrupted protein product. Loss-of-function variants in MBD4 are known to be pathogenic (PMID: 30049810, 35460607). This variant is not present in population databases (gnomAD no frequency). This variant has not been reported in the literature in individuals affected with MBD4-related conditions. For these reasons, this variant has been classified as Pathogenic.

Literature cited by the submitters: PubMed 30049810 (cited by Labcorp Genetics (formerly Invitae), Labcorp); PubMed 35460607 (cited by Labcorp Genetics (formerly Invitae), Labcorp).

NM_001276270.2(MBD4):c.249_250insCT (p.Lys84fs)

Gene: MBD4 (methyl-CpG binding domain 4, DNA glycosylase; minus strand). Cytogenetic location: 3q21.3.
Variant type: Insertion.
Coding change: c.249_250insCT on transcript NM_001276270.2 (MANE Select); coding-DNA positions 249 to 250, CT inserted.
Protein change: p.Lys84fs; shifts the reading frame from lysine 84.
Molecular consequence: frameshift variant. On other transcripts: splice donor variant (1).
Genome position: GRCh38 VCF-style: chr3-129437805-T-TAG. GRCh37 (hg19) VCF-style: chr3-129156648-T-TAG.
Other names: c.249_250insCT, p.Lys84fs (NM_001276271.2, NM_001276272.2, NM_003925.3); c.247+2_247+3insTC (NM_001276273.2); short protein forms K84fs.
Identifiers: ClinVar variation 3639803 (VCV003639803.3).